The following is an entry in ClinVar:

ClinVar aggregate classification (germline): Likely benign (0 of 4 stars; one submission).

Conditions:
SET-related disorder. Also called: SET-related condition.

Allele frequency attached by ClinVar (database versions not stated): ExAC 0.00002; gnomAD 0.00002; gnomAD exomes 0.00003; TOPMed 0.00003; ESP Exome Variant Server 0.00015.
gnomAD v4.1: 40 of 1,613,734 alleles (0.0025%); highest among the groups gnomAD compares: Non-Finnish European, 0.0031%; no homozygotes.

Submission:

PreventionGenetics, part of Exact Sciences
Classification: Likely benign for SET-related condition. Last evaluated: 2019-05-28. Review status: no assertion criteria provided. Collection method: clinical testing. Allele origin: germline.
Comment: This variant is classified as likely benign based on ACMG/AMP sequence variant interpretation guidelines (Richards et al. 2015 PMID: 25741868, with internal and published modifications).

NM_003011.4(SET):c.591T>C (p.Ser197=)

Gene: SET (SET nuclear proto-oncogene; plus strand). Cytogenetic location: 9q34.11.
Variant type: single nucleotide variant.
Coding change: c.591T>C on transcript NM_003011.4 (MANE Select); coding-DNA position 591, T replaced by C.
Protein change: p.Ser197=; no amino-acid change (serine 197 retained).
Molecular consequence: synonymous variant.
Genome position (GRCh38, 1-based): chr9:128,693,736, T>C. VCF-style: chr9-128693736-T-C. GRCh37 (hg19) VCF-style: chr9-131456015-T-C.
Other names: c.630T>C, p.Ser210= (NM_001122821.2, NM_001374326.1); c.564T>C, p.Ser188= (NM_001248000.2); c.558T>C, p.Ser186= (NM_001248001.2).
Identifiers: ClinVar variation 3044296 (VCV003044296.2), dbSNP rs139252094, ClinGen allele CA5267041.